The following is an entry in ClinVar:

NM_001367561.1(DOCK7):c.3134T>C (p.Ile1045Thr)

Gene: DOCK7 (dedicator of cytokinesis 7; minus strand). Cytogenetic location: 1p31.3.
Variant type: single nucleotide variant.
Coding change: c.3134T>C on transcript NM_001367561.1 (MANE Select); coding-DNA position 3134, T replaced by C.
Protein change: p.Ile1045Thr; replaces isoleucine 1045 with threonine.
Molecular consequence: missense variant.
Genome position (GRCh38, 1-based): chr1:62,539,804, A>G on the plus strand (T>C on the coding strand, the complement: DOCK7 is on the minus strand). VCF-style: chr1-62539804-A-G. GRCh37 (hg19) VCF-style: chr1-63005475-A-G.
Other names: c.3134T>C, p.Ile1045Thr (NM_001271999.2, NM_001330614.2); c.3041T>C, p.Ile1014Thr (NM_001272000.2, NM_001272001.2, NM_033407.4); short protein forms I1014T, I1045T.
Identifiers: ClinVar variation 1496398 (VCV001496398.6), dbSNP rs1645467063, ClinGen allele CA340610021.

ClinVar aggregate classification (germline): Uncertain significance (1 of 4 stars; one submission).

Conditions:
Developmental and epileptic encephalopathy, 23 (DEE23). Also called: Epileptic encephalopathy, early infantile, 23. Identifiers: Orphanet 411986, MedGen C4014492, MONDO:0014371, OMIM 615859.

Allele frequency attached by ClinVar (database versions not stated): TOPMed below 0.00001.

Submission:

Labcorp Genetics (formerly Invitae), Labcorp
Classification: Uncertain significance for Developmental and epileptic encephalopathy, 23. Last evaluated: 2021-08-07. Review status: criteria provided, single submitter. Criteria: Invitae Variant Classification Sherloc (09022015). Collection method: clinical testing. Allele origin: germline.
Comment: Algorithms developed to predict the effect of missense changes on protein structure and function are either unavailable or do not agree on the potential impact of this missense change (SIFT: "Deleterious"; PolyPhen-2: "Possibly Damaging"; Align-GVGD: "Class C0"). In summary, the available evidence is currently insufficient to determine the role of this variant in disease. Therefore, it has been classified as a Variant of Uncertain Significance. This variant has not been reported in the literature in individuals affected with DOCK7-related conditions. This variant is not present in population databases (ExAC no frequency). This sequence change replaces isoleucine with threonine at codon 1045 of the DOCK7 protein (p.Ile1045Thr). The isoleucine residue is moderately conserved and there is a moderate physicochemical difference between isoleucine and threonine.